The following is an entry in ClinVar:

NM_002382.5(MAX):c.-100T>G

Genes: MAX (MYC associated transcriptional regulator X; minus strand), LOC130055850 (ATAC-STARR-seq lymphoblastoid silent region 5847; plus strand). Cytogenetic location: 14q23.3.
Variant type: single nucleotide variant.
Coding change: c.-100T>G on transcript NM_002382.5 (MANE Select); 100 bases upstream of the start codon, T replaced by G.
Molecular consequence: 5 prime UTR variant.
Genome position (GRCh38, 1-based): chr14:65,102,439, A>C on the plus strand (T>G on the coding strand, the complement: MAX is on the minus strand). VCF-style: chr14-65102439-A-C. GRCh37 (hg19) VCF-style: chr14-65569157-A-C.
Other names: c.-100T>G (NM_001271068.2, NM_001271069.2, NM_145112.3 and 3 more transcripts); c.-374T>G (NM_001320415.2).
Identifiers: ClinVar variation 313826 (VCV000313826.7), dbSNP rs111941208, ClinGen allele CA10645757.

ClinVar aggregate classification (germline): Benign/Likely benign. Review status: criteria provided, multiple submitters, no conflicts (2 of 4 stars). 2 submissions from 2 submitters: Benign (1); Likely benign (1). Last evaluated 2019-08-16.

Conditions:
Pheochromocytoma. Also called: MAX-Related Hereditary Paraganglioma-Pheochromocytoma Syndrome. Identifiers: Orphanet 29072, MedGen C0031511, MONDO:0008233, OMIM 171300, HP:0002666.

Allele frequency attached by ClinVar (database versions not stated): gnomAD exomes 0.00073; 1000 Genomes Project 0.00539; 1000 Genomes Project 30x 0.00609; gnomAD 0.00699 and 0.00769; TOPMed 0.00770.
gnomAD v4.1: 2,123 of 1,547,406 alleles (0.14%); highest among the groups gnomAD compares: African/African-American, 2.4%; 25 homozygotes.

Submissions (2):

GeneDx
Classification: Likely benign. Last evaluated: 2019-08-16. Review status: criteria provided, single submitter. Criteria: GeneDx Variant Classification Process June 2021. Collection method: clinical testing. Allele origin: germline. Affected: yes.

Illumina Laboratory Services, Illumina
Classification: Benign for Pheochromocytoma. Last evaluated: 2018-01-12. Review status: criteria provided, single submitter. Criteria: ICSL Variant Classification Criteria 13 December 2019. Collection method: clinical testing. Allele origin: germline.
Comment: This variant was observed in the ICSL laboratory as part of a predisposition screen in an ostensibly healthy population. It had not been previously curated by ICSL or reported in the Human Gene Mutation Database (HGMD: prior to June 1st, 2018), and was therefore a candidate for classification through an automated scoring system. Utilizing variant allele frequency, disease prevalence and penetrance estimates, and inheritance mode, an automated score was calculated to assess if this variant is too frequent to cause the disease. Based on the score and internal cut-off values, a variant classified as benign is not then subjected to further curation. The score for this variant resulted in a classification of benign for this disease.